The following is an entry in ClinVar:

ClinVar aggregate classification (germline): Uncertain significance (1 of 4 stars; one submission).

Conditions:
Familial thoracic aortic aneurysm and aortic dissection (TAAD). Also called: Thoracic aortic aneurysms and dissections. Identifiers: Orphanet 91387, MedGen C4707243, MONDO:0019625.

Submission:

Ambry Genetics
Classification: Uncertain significance for Familial thoracic aortic aneurysm and aortic dissection. Last evaluated: 2026-07-10. Review status: criteria provided, single submitter. Criteria: Ambry Variant Classification Scheme 2023. Collection method: clinical testing. Allele origin: germline.
Comment: The p.V1110L variant (also known as c.3328G>C), located in coding exon 21 of the NOTCH1 gene, results from a G to C substitution at nucleotide position 3328. The valine at codon 1110 is replaced by leucine, an amino acid with highly similar properties. This amino acid position is conserved. In addition, this alteration is predicted to be tolerated by in silico analysis. Based on the available evidence, the clinical significance of this variant remains unclear.

NM_017617.5(NOTCH1):c.3328G>C (p.Val1110Leu)

Gene: NOTCH1 (notch receptor 1; minus strand). Cytogenetic location: 9q34.3.
Variant type: single nucleotide variant.
Coding change: c.3328G>C on transcript NM_017617.5 (MANE Select); coding-DNA position 3328, G replaced by C.
Protein change: p.Val1110Leu; replaces valine 1110 with leucine.
Molecular consequence: missense variant.
Genome position (GRCh38, 1-based): chr9:136,508,137, C>G on the plus strand (G>C on the coding strand, the complement: NOTCH1 is on the minus strand). VCF-style: chr9-136508137-C-G. GRCh37 (hg19) VCF-style: chr9-139402589-C-G.
Other names: short protein forms V1110L.
Identifiers: ClinVar variation 5025787 (VCV005025787.1).
Genomic context (GRCh38, chr9:136,508,137, plus strand): 5'-GGTGCGTGTTGCCCGCGTCCACACAGAGCCCTCCATGCTGGCACAGGCGGGCAACGTCAA[C>G]ACCTGCGGGGGATGGGGTGGTAGACAGGTGAGGCCCAGGCCCACAGAGGACCTTGATGGG-3'
Protein context (NP_060087.3, residues 1100-1120): SCEVAAQRQG[Val1110Leu]DVARLCQHGG